The following is an entry in ClinVar:

NM_006080.3(SEMA3A):c.112+10A>G

Gene: SEMA3A (semaphorin 3A; minus strand). Cytogenetic location: 7q21.11.
Variant type: single nucleotide variant.
Coding change: c.112+10A>G on transcript NM_006080.3 (MANE Select); 10 bases into the intron after coding-DNA position 112, A replaced by G.
Molecular consequence: intron variant.
Genome position (GRCh38, 1-based): chr7:84,194,465, T>C on the plus strand (A>G on the coding strand, the complement: SEMA3A is on the minus strand). VCF-style: chr7-84194465-T-C. GRCh37 (hg19) VCF-style: chr7-83823781-T-C.
Identifiers: ClinVar variation 4985483 (VCV004985483.1).

ClinVar aggregate classification (germline): Likely benign (1 of 4 stars; one submission).

Conditions:
SEMA3A-related disorder. Also called: SEMA3A-related condition.

gnomAD v4.1: 9 of 1,562,974 alleles (0.00058%); highest among the groups gnomAD compares: African/African-American, 0.0082%; no homozygotes.

Submission:

PreventionGenetics, part of Exact Sciences
Classification: Likely benign for SEMA3A-related condition. Last evaluated: 2025-04-07. Review status: criteria provided, single submitter. Criteria: ACMG Guidelines, 2015. Collection method: clinical testing. Allele origin: germline.
Comment: This variant is classified as likely benign based on ACMG/AMP sequence variant interpretation guidelines (Richards et al. 2015 PMID: 25741868, with internal and published modifications).